The following is an entry in ClinVar:

NM_173630.4(RTTN):c.5279C>T (p.Pro1760Leu)

Gene: RTTN (rotatin; minus strand). Cytogenetic location: 18q22.2.
Variant type: single nucleotide variant.
Coding change: c.5279C>T on transcript NM_173630.4 (MANE Select); coding-DNA position 5279, C replaced by T.
Protein change: p.Pro1760Leu; replaces proline 1760 with leucine.
Molecular consequence: missense variant.
Genome position (GRCh38, 1-based): chr18:70,051,455, G>A on the plus strand (C>T on the coding strand, the complement: RTTN is on the minus strand). VCF-style: chr18-70051455-G-A. GRCh37 (hg19) VCF-style: chr18-67718691-G-A.
Other names: c.2543C>T, p.Pro848Leu (NM_001318520.2); short protein forms P848L, P1760L.
Identifiers: ClinVar variation 2052029 (VCV002052029.2), dbSNP rs369938294, ClinGen allele CA8994992.

ClinVar aggregate classification (germline): Uncertain significance (1 of 4 stars; one submission).

Allele frequency attached by ClinVar (database versions not stated): ExAC 0.00002; gnomAD 0.00005; TOPMed 0.00005; ESP Exome Variant Server 0.00017.
gnomAD v4.1: 60 of 1,613,810 alleles (0.0037%); highest among the groups gnomAD compares: African/African-American, 0.019%; 1 homozygote.

Submission:

Labcorp Genetics (formerly Invitae), Labcorp
Classification: Uncertain significance. Last evaluated: 2023-05-23. Review status: criteria provided, single submitter. Criteria: Invitae Variant Classification Sherloc (09022015). Collection method: clinical testing. Allele origin: germline.
Comment: This sequence change replaces proline, which is neutral and non-polar, with leucine, which is neutral and non-polar, at codon 1760 of the RTTN protein (p.Pro1760Leu). This variant is present in population databases (rs369938294, gnomAD 0.008%). This variant has not been reported in the literature in individuals affected with RTTN-related conditions. ClinVar contains an entry for this variant (Variation ID: 2052029). Advanced modeling of protein sequence and biophysical properties (such as structural, functional, and spatial information, amino acid conservation, physicochemical variation, residue mobility, and thermodynamic stability) performed at Invitae indicates that this missense variant is not expected to disrupt RTTN protein function. In summary, the available evidence is currently insufficient to determine the role of this variant in disease. Therefore, it has been classified as a Variant of Uncertain Significance.